The following is an entry in ClinVar:

NM_004408.4(DNM1):c.774C>G (p.Phe258Leu)

Gene: DNM1 (dynamin 1; plus strand). Cytogenetic location: 9q34.11.
Variant type: single nucleotide variant.
Coding change: c.774C>G on transcript NM_004408.4 (MANE Select); coding-DNA position 774, C replaced by G.
Protein change: p.Phe258Leu; replaces phenylalanine 258 with leucine.
Molecular consequence: missense variant.
Genome position (GRCh38, 1-based): chr9:128,220,266, C>G. VCF-style: chr9-128220266-C-G. GRCh37 (hg19) VCF-style: chr9-130982545-C-G.
Other names: c.774C>G, p.Phe258Leu (NM_001005336.3, NM_001288737.2, NM_001288738.2 and 2 more transcripts); short protein forms F258L.
Identifiers: ClinVar variation 1000714 (VCV001000714.9), dbSNP rs146211149, ClinGen allele CA5257881.

ClinVar aggregate classification (germline): Uncertain significance (1 of 4 stars; one submission).

Conditions:
Developmental and epileptic encephalopathy, 31A. Also called: Epileptic encephalopathy, early infantile, 31; Developmental and epileptic encephalopathy, 31. Identifiers: Orphanet 2382, MedGen C4225357, MONDO:0014598, OMIM 616346.

Allele frequency attached by ClinVar (database versions not stated): ExAC 0.00002; gnomAD 0.00002; TOPMed 0.00005.
gnomAD v4.1: 19 of 1,614,130 alleles (0.0012%); highest among the groups gnomAD compares: Non-Finnish European, 0.00034%; no homozygotes.

Submission:

Labcorp Genetics (formerly Invitae), Labcorp
Classification: Uncertain significance for Developmental and epileptic encephalopathy, 31A. Last evaluated: 2020-01-18. Review status: criteria provided, single submitter. Criteria: Invitae Variant Classification Sherloc (09022015). Collection method: clinical testing. Allele origin: germline.
Comment: In summary, the available evidence is currently insufficient to determine the role of this variant in disease. Therefore, it has been classified as a Variant of Uncertain Significance. Algorithms developed to predict the effect of missense changes on protein structure and function are either unavailable or do not agree on the potential impact of this missense change (SIFT: "Deleterious"; PolyPhen-2: "Probably Damaging"; Align-GVGD: "Class C15"). This variant has not been reported in the literature in individuals with DNM1-related conditions. This variant is present in population databases (rs146211149, ExAC 0.003%). This sequence change replaces phenylalanine with leucine at codon 258 of the DNM1 protein (p.Phe258Leu). The phenylalanine residue is highly conserved and there is a small physicochemical difference between phenylalanine and leucine.